The following is an entry in ClinVar:

ClinVar aggregate classification (germline): Likely benign (1 of 4 stars; one submission).

gnomAD v4.1: 14 of 1,613,890 alleles (0.00087%); highest among the groups gnomAD compares: Middle Eastern, 0.033%; no homozygotes.

Submission:

Women's Health and Genetics/Laboratory Corporation of America, LabCorp
Classification: Likely benign. Last evaluated: 2024-05-22. Review status: criteria provided, single submitter. Criteria: LabCorp Variant Classification Summary - May 2015. Collection method: clinical testing. Allele origin: germline.
Comment: Variant summary: VWF c.2442+13G>A alters a non-conserved nucleotide located at a position not widely known to affect splicing. Consensus agreement among computation tools predict no significant impact on normal splicing. However, these predictions have yet to be confirmed by functional studies. The variant allele was found at a frequency of 4e-06 in 250540 control chromosomes. The available data on variant occurrences in the general population are insufficient to allow any conclusion about variant significance. To our knowledge, no occurrence of c.2442+13G>A in individuals affected with Von Willebrand Disease and no experimental evidence demonstrating its impact on protein function have been reported. No submitters have cited clinical-significance assessments for this variant to ClinVar. Based on the evidence outlined above, the variant was classified as likely benign.

NM_000552.5(VWF):c.2442+13G>A

Gene: VWF (von Willebrand factor; minus strand). Cytogenetic location: 12p13.31.
Variant type: single nucleotide variant.
Coding change: c.2442+13G>A on transcript NM_000552.5 (MANE Select); 13 bases into the intron after coding-DNA position 2442, G replaced by A.
Molecular consequence: intron variant.
Genome position (GRCh38, 1-based): chr12:6,044,278, C>T on the plus strand (G>A on the coding strand, the complement: VWF is on the minus strand). VCF-style: chr12-6044278-C-T. GRCh37 (hg19) VCF-style: chr12-6153444-C-T.
Identifiers: ClinVar variation 3336429 (VCV003336429.1).